The following is an entry in ClinVar:

ClinVar aggregate classification (germline): Conflicting classifications of pathogenicity. Review status: criteria provided, conflicting classifications (1 of 4 stars). 2 submissions from 2 submitters: Uncertain significance (1); Likely benign (1). Last evaluated 2025-04-13.

Allele frequency attached by ClinVar (database versions not stated): ExAC 0.00002; TOPMed 0.00004; gnomAD 0.00005.
gnomAD v4.1: 16 of 1,209,645 alleles (0.0013%); highest among the groups gnomAD compares: African/African-American, 0.012%; no homozygotes.

Submissions (2):

Ambry Genetics
Classification: Uncertain significance. Last evaluated: 2025-04-13. Review status: criteria provided, single submitter. Criteria: Ambry Variant Classification Scheme 2023. Collection method: clinical testing. Allele origin: germline.

CeGaT Center for Human Genetics Tuebingen
Classification: Likely benign. Last evaluated: 2023-01-01. Review status: criteria provided, single submitter. Criteria: CeGaT Center For Human Genetics Tuebingen Variant Classification Criteria Version 2. Collection method: clinical testing. Allele origin: germline. Affected: yes. Observed: 1 variant allele.
Comment: MAGEB2: BP4, BS2

NM_002364.5(MAGEB2):c.715T>C (p.Ser239Pro)

Gene: MAGEB2 (MAGE family member B2; plus strand). Cytogenetic location: Xp21.2.
Variant type: single nucleotide variant.
Coding change: c.715T>C on transcript NM_002364.5 (MANE Select); coding-DNA position 715, T replaced by C.
Protein change: p.Ser239Pro; replaces serine 239 with proline.
Molecular consequence: missense variant.
Genome position (GRCh38, 1-based): chrX:30,219,295, T>C. VCF-style: chrX-30219295-T-C. GRCh37 (hg19) VCF-style: chrX-30237412-T-C.
Other names: c.715T>C (NM_002364.4); short protein forms S239P.
Identifiers: ClinVar variation 2660226 (VCV002660226.24), dbSNP rs748819651, ClinGen allele CA10375777.